The following is an entry in ClinVar:

ClinVar aggregate classification (germline): Uncertain significance (1 of 4 stars; one submission).

Conditions:
Brugada syndrome. Also called: Sudden unexpected nocturnal death syndrome; Sudden unexplained nocturnal death syndrome; Sudden Unexplained Death Syndrome; Sudden Unexplained Nocturnal Death Syndrome (SUNDS). Identifiers: Orphanet 130, MedGen C1142166, MONDO:0015263.

gnomAD v4.1: 28 of 1,590,798 alleles (0.0018%); highest among the groups gnomAD compares: Non-Finnish European, 0.0022%; no homozygotes.

Submission:

Labcorp Genetics (formerly Invitae), Labcorp
Classification: Uncertain significance for Brugada syndrome. Last evaluated: 2025-09-10. Review status: criteria provided, single submitter. Criteria: Invitae Variant Classification Sherloc (09022015). Collection method: clinical testing. Allele origin: germline.
Comment: This sequence change falls in intron 16 of the SLMAP gene. It does not directly change the encoded amino acid sequence of the SLMAP protein. It affects a nucleotide within the consensus splice site. This variant is present in population databases (rs757048661, gnomAD 0.0009%). This variant has not been reported in the literature in individuals affected with SLMAP-related conditions. Variants that disrupt the consensus splice site are a relatively common cause of aberrant splicing (PMID: 17576681, 9536098). Algorithms developed to predict the effect of sequence changes on RNA splicing suggest that this variant may disrupt the consensus splice site. In summary, the available evidence is currently insufficient to determine the role of this variant in disease. Therefore, it has been classified as a Variant of Uncertain Significance.

Literature cited by the submitters: PubMed 17576681; PubMed 9536098.

NM_001377540.1(SLMAP):c.1699+3A>G

Gene: SLMAP (sarcolemma associated protein; plus strand). Cytogenetic location: 3p14.3.
Variant type: single nucleotide variant.
Coding change: c.1699+3A>G on transcript NM_001377540.1 (MANE Select); 3 bases into the intron after coding-DNA position 1699, A replaced by G.
Molecular consequence: intron variant.
Genome position (GRCh38, 1-based): chr3:57,909,153, A>G. VCF-style: chr3-57909153-A-G. GRCh37 (hg19) VCF-style: chr3-57894880-A-G.
Other names: c.1720+3A>G (NM_001377538.1); c.1699+3A>G (NM_001377539.1); c.1576+3A>G (NM_001377555.1); c.1636+3A>G (NM_001377545.1); c.1513+3A>G (NM_001377922.1); c.1648+3A>G (NM_001377541.1, NM_001304420.3, NM_001377542.1); c.1525+3A>G (NM_001377562.1, NM_001377921.1); c.1585+3A>G (NM_001377552.1, NM_001377551.1); and 8 more.
Identifiers: ClinVar variation 4750264 (VCV004750264.1).